The following is an entry in ClinVar:

ClinVar aggregate classification (germline): Likely benign (1 of 4 stars; one submission).

Submission:

CeGaT Center for Human Genetics Tuebingen
Classification: Likely benign. Last evaluated: 2025-10-01. Review status: criteria provided, single submitter. Criteria: CeGaT Center For Human Genetics Tuebingen Variant Classification Criteria Version 2. Collection method: clinical testing. Allele origin: germline. Affected: yes. Observed: 1 variant allele.
Comment: DHH: PM2:Supporting, BP4, BP7

NM_021044.4(DHH):c.1050C>T (p.His350=)

Gene: DHH (desert hedgehog signaling molecule; minus strand). Cytogenetic location: 12q13.12.
Variant type: single nucleotide variant.
Coding change: c.1050C>T on transcript NM_021044.4 (MANE Select); coding-DNA position 1050, C replaced by T.
Protein change: p.His350=; no amino-acid change (histidine 350 retained).
Molecular consequence: synonymous variant.
Genome position (GRCh38, 1-based): chr12:49,090,000, G>A on the plus strand (C>T on the coding strand, the complement: DHH is on the minus strand). VCF-style: chr12-49090000-G-A. GRCh37 (hg19) VCF-style: chr12-49483783-G-A.
Identifiers: ClinVar variation 4534882 (VCV004534882.6).